The following is an entry in ClinVar:

ClinVar aggregate classification (germline): Uncertain significance (1 of 4 stars; one submission).

Conditions:
Nemaline myopathy 2 (NEM2). Also called: Nemaline myopathy 2, autosomal recessive. Identifiers: MedGen C1850569, MONDO:0009725, OMIM 256030.

Submission:

Labcorp Genetics (formerly Invitae), Labcorp
Classification: Uncertain significance for Nemaline myopathy 2. Last evaluated: 2022-06-20. Review status: criteria provided, single submitter. Criteria: Invitae Variant Classification Sherloc (09022015). Collection method: clinical testing. Allele origin: germline.
Comment: In summary, the available evidence is currently insufficient to determine the role of this variant in disease. Therefore, it has been classified as a Variant of Uncertain Significance. Algorithms developed to predict the effect of missense changes on protein structure and function are either unavailable or do not agree on the potential impact of this missense change (SIFT: "Deleterious"; PolyPhen-2: "Not Available"; Align-GVGD: "Class C0"). This variant has not been reported in the literature in individuals affected with NEB-related conditions. This variant is not present in population databases (gnomAD no frequency). This sequence change replaces aspartic acid, which is acidic and polar, with asparagine, which is neutral and polar, at codon 6577 of the NEB protein (p.Asp6577Asn).

NM_001164508.2(NEB):c.19729G>A (p.Asp6577Asn)

Gene: NEB (nebulin; minus strand). Cytogenetic location: 2q23.3.
Variant type: single nucleotide variant.
Coding change: c.19729G>A on transcript NM_001164508.2 (MANE Select); coding-DNA position 19729, G replaced by A.
Protein change: p.Asp6577Asn; replaces aspartic acid 6577 with asparagine.
Molecular consequence: missense variant.
Genome position (GRCh38, 1-based): chr2:151,553,400, C>T on the plus strand (G>A on the coding strand, the complement: NEB is on the minus strand). VCF-style: chr2-151553400-C-T. GRCh37 (hg19) VCF-style: chr2-152409914-C-T.
Other names: c.19729G>A, p.Asp6577Asn (NM_001164507.2, NM_001271208.2); c.14626G>A, p.Asp4876Asn (NM_004543.5); short protein forms D4876N, D6577N.
Identifiers: ClinVar variation 1482920 (VCV001482920.6), dbSNP rs2095448833, ClinGen allele CA348788387.
Genomic context (GRCh38, chr2:151,553,400, plus strand): 5'-TAACTCTAGACTATGGAGAAATGGAAATATACTAAAGAACAAAACAAGGCAAACTCACAT[C>T]ATCACGTAGATCATAAGCATGCTTGGCATGGAGGATTTCAGGAGTGTCCCAGACGTAGCA-3'
Protein context (NP_001157980.2, residues 6567-6587): HAKHAYDLRD[Asp6577Asn]IKYKAHMLKT